The following is an entry in ClinVar:

ClinVar aggregate classification (germline): Conflicting classifications of pathogenicity. Review status: criteria provided, conflicting classifications (1 of 4 stars). 2 submissions from 2 submitters: Uncertain significance (1); Likely benign (1). Last evaluated 2025-07-15.

Conditions:
PLEKHG5-related disorder. Also called: PLEKHG5-related condition.
Neuronopathy, distal hereditary motor, autosomal recessive 4. Also called: Autosomal recessive lower motor neuron disease with childhood onset; NEUROPATHY, DISTAL HEREDITARY MOTOR, AUTOSOMAL RECESSIVE 4. Identifiers: Orphanet 206580, MedGen C1970211, MONDO:0012608, OMIM 611067.
Charcot-Marie-Tooth disease recessive intermediate C. Also called: CHARCOT-MARIE-TOOTH NEUROPATHY, RECESSIVE INTERMEDIATE C. Identifiers: Orphanet 369867, MedGen C3809309, MONDO:0014154, OMIM 615376.

Allele frequency attached by ClinVar (database versions not stated): gnomAD 0.00001 and 0.00006; TOPMed 0.00002; ESP Exome Variant Server 0.00008; gnomAD exomes 0.00012 and 0.00022; ExAC 0.00022.
gnomAD v4.1: 182 of 1,613,944 alleles (0.011%); highest among the groups gnomAD compares: South Asian, 0.19%; 1 homozygote.

Submissions (2):

PreventionGenetics, part of Exact Sciences
Classification: Likely benign for PLEKHG5-related condition. Last evaluated: 2025-07-15. Review status: criteria provided, single submitter. Criteria: ACMG Guidelines, 2015. Collection method: clinical testing. Allele origin: germline.
Comment: This variant is classified as likely benign based on ACMG/AMP sequence variant interpretation guidelines (Richards et al. 2015 PMID: 25741868, with internal and published modifications).

Labcorp Genetics (formerly Invitae), Labcorp
Classification: Uncertain significance for Neuronopathy, distal hereditary motor, autosomal recessive 4; Charcot-Marie-Tooth disease recessive intermediate C. Last evaluated: 2022-07-06. Review status: criteria provided, single submitter. Criteria: Invitae Variant Classification Sherloc (09022015). Collection method: clinical testing. Allele origin: germline.
Comment: This sequence change replaces asparagine, which is neutral and polar, with histidine, which is basic and polar, at codon 311 of the PLEKHG5 protein (p.Asn311His). This variant is present in population databases (rs146020517, gnomAD 0.2%). This variant has not been reported in the literature in individuals affected with PLEKHG5-related conditions. ClinVar contains an entry for this variant (Variation ID: 536770). Algorithms developed to predict the effect of missense changes on protein structure and function (SIFT, PolyPhen-2, Align-GVGD) all suggest that this variant is likely to be tolerated. In summary, the available evidence is currently insufficient to determine the role of this variant in disease. Therefore, it has been classified as a Variant of Uncertain Significance.

NM_020631.6(PLEKHG5):c.931A>C (p.Asn311His)

Gene: PLEKHG5 (pleckstrin homology and RhoGEF domain containing G5; minus strand). Cytogenetic location: 1p36.31.
Variant type: single nucleotide variant.
Coding change: c.931A>C on transcript NM_020631.6 (MANE Select); coding-DNA position 931, A replaced by C.
Protein change: p.Asn311His; replaces asparagine 311 with histidine.
Molecular consequence: missense variant.
Genome position (GRCh38, 1-based): chr1:6,473,039, T>G on the plus strand (A>C on the coding strand, the complement: PLEKHG5 is on the minus strand). VCF-style: chr1-6473039-T-G. GRCh37 (hg19) VCF-style: chr1-6533099-T-G.
Other names: c.1042A>C, p.Asn348His (NM_001042663.3, NM_001265592.2); c.931A>C, p.Asn311His (NM_001042664.2, NM_001042665.2, NM_001265594.3 and 1 more transcripts); c.1138A>C, p.Asn380His (NM_001265593.2); short protein forms N311H, N380H, N348H.
Identifiers: ClinVar variation 536770 (VCV000536770.10), dbSNP rs146020517, ClinGen allele CA561706.